The following is an entry in ClinVar:

ClinVar aggregate classification (germline): Uncertain significance (1 of 4 stars; one submission).

Conditions:
Lissencephaly 9 with complex brainstem malformation. Identifiers: Orphanet 572013, MedGen C5193029, MONDO:0032677, OMIM 618325.

Submission:

Laboratorio de Genetica e Diagnostico Molecular, Hospital Israelita Albert Einstein
Classification: Uncertain significance for Lissencephaly 9 with complex brainstem malformation. Last evaluated: 2024-10-11. Review status: criteria provided, single submitter. Criteria: ACMG Guidelines, 2015. Collection method: clinical testing. Allele origin: germline. Affected: yes.
Comment: ACMG classification criteria: PM2 supporting, BP4 supporting

NM_001394062.1(MACF1):c.9896C>T (p.Thr3299Ile)

Gene: MACF1 (microtubule actin crosslinking factor 1; plus strand). Cytogenetic location: 1p34.3.
Variant type: single nucleotide variant.
Coding change: c.9896C>T on transcript NM_001394062.1 (MANE Select); coding-DNA position 9896, C replaced by T.
Protein change: p.Thr3299Ile; replaces threonine 3299 with isoleucine.
Molecular consequence: missense variant. On other transcripts: intron variant (1).
Genome position (GRCh38, 1-based): chr1:39,336,484, C>T. VCF-style: chr1-39336484-C-T. GRCh37 (hg19) VCF-style: chr1-39802156-C-T.
Other names: c.4629+9131C>T (NM_012090.5); short protein forms T3299I.
Identifiers: ClinVar variation 4056593 (VCV004056593.1).